The following is an entry in ClinVar:

ClinVar aggregate classification (germline): Uncertain significance (1 of 4 stars; one submission).

Conditions:
Focal segmental glomerulosclerosis 7 (FSGS7). Identifiers: Orphanet 656, MedGen C4014925, MONDO:0014451, OMIM 616002.
Renal coloboma syndrome (PAPRS). Also called: OPTIC COLOBOMA, VESICOURETERAL REFLUX, AND RENAL ANOMALIES; OPTIC NERVE COLOBOMA WITH RENAL DISEASE; RENAL-COLOBOMA SYNDROME WITH MACULAR ABNORMALITIES; PAPILLORENAL SYNDROME WITH MILD OCULAR ABNORMALITIES; CONGENITAL ANOMALIES OF THE KIDNEY AND URINARY TRACT WITH OR WITHOUT OCULAR ABNORMALITIES; CAKUT WITH OR WITHOUT OCULAR ABNORMALITIES. Identifiers: Orphanet 1475, MedGen C1852759, MONDO:0007352, OMIM 120330.

Submission:

Labcorp Genetics (formerly Invitae), Labcorp
Classification: Uncertain significance for Renal coloboma syndrome; Focal segmental glomerulosclerosis 7. Last evaluated: 2021-12-23. Review status: criteria provided, single submitter. Criteria: Invitae Variant Classification Sherloc (09022015). Collection method: clinical testing. Allele origin: germline.
Comment: This sequence change replaces serine, which is neutral and polar, with threonine, which is neutral and polar, at codon 184 of the PAX2 protein (p.Ser184Thr). In summary, the available evidence is currently insufficient to determine the role of this variant in disease. Therefore, it has been classified as a Variant of Uncertain Significance. Algorithms developed to predict the effect of sequence changes on RNA splicing suggest that this variant is not likely to affect RNA splicing. This variant has not been reported in the literature in individuals affected with PAX2-related conditions. This variant is not present in population databases (gnomAD no frequency).

NM_000278.5(PAX2):c.550T>A (p.Ser184Thr)

Gene: PAX2 (paired box 2; plus strand). Cytogenetic location: 10q24.31.
Variant type: single nucleotide variant.
Coding change: c.550T>A on transcript NM_000278.5 (MANE Select); coding-DNA position 550, T replaced by A.
Protein change: p.Ser184Thr; replaces serine 184 with threonine.
Molecular consequence: missense variant.
Genome position (GRCh38, 1-based): chr10:100,781,299, T>A. VCF-style: chr10-100781299-T-A. GRCh37 (hg19) VCF-style: chr10-102541056-T-A.
Other names: c.643T>A, p.Ser215Thr (NM_001304569.2); c.550T>A, p.Ser184Thr (NM_003987.5, NM_003988.5, NM_003989.5 and 1 more transcripts); short protein forms S184T, S215T.
Identifiers: ClinVar variation 2051034 (VCV002051034.4), dbSNP rs2493038444, ClinGen allele CA378258530.